The following is an entry in ClinVar:

NM_000051.4(ATM):c.1608-6T>C

Gene: ATM (ATM serine/threonine kinase; plus strand). Cytogenetic location: 11q22.3.
Variant type: single nucleotide variant.
Coding change: c.1608-6T>C on transcript NM_000051.4 (MANE Select); 6 bases into the intron before coding-DNA position 1608, T replaced by C.
Molecular consequence: intron variant.
Genome position (GRCh38, 1-based): chr11:108,251,831, T>C. VCF-style: chr11-108251831-T-C. GRCh37 (hg19) VCF-style: chr11-108122558-T-C.
Other names: c.1608-6T>C (NM_001351834.2).
Identifiers: ClinVar variation 1997804 (VCV001997804.4), dbSNP rs2080162256, ClinGen allele CA2580083788.

ClinVar aggregate classification (germline): Uncertain significance (1 of 4 stars; one submission).

Conditions:
Ataxia-telangiectasia syndrome (AT). Also called: Ataxia-telangiectasia, complementation group E; Ataxia-telangiectasia; ATAXIA-TELANGIECTASIA, COMPLEMENTATION GROUP A; Ataxia-telangiectasia, complementation group D; Ataxia telangiectasia (A-T); LOUIS-BAR SYNDROME. Identifiers: Orphanet 100, MedGen C0004135, MONDO:0008840, OMIM 208900.

Submission:

Labcorp Genetics (formerly Invitae), Labcorp
Classification: Uncertain significance for Ataxia-telangiectasia syndrome. Last evaluated: 2022-05-22. Review status: criteria provided, single submitter. Criteria: Invitae Variant Classification Sherloc (09022015). Collection method: clinical testing. Allele origin: germline.
Comment: In summary, the available evidence is currently insufficient to determine the role of this variant in disease. Therefore, it has been classified as a Variant of Uncertain Significance. Algorithms developed to predict the effect of sequence changes on RNA splicing suggest that this variant may disrupt the consensus splice site. This variant has not been reported in the literature in individuals affected with ATM-related conditions. This variant is not present in population databases (gnomAD no frequency). This sequence change falls in intron 10 of the ATM gene. It does not directly change the encoded amino acid sequence of the ATM protein.